The following is an entry in ClinVar:

ClinVar aggregate classification (germline): Pathogenic (1 of 4 stars; one submission).

Submission:

Labcorp Genetics (formerly Invitae), Labcorp
Classification: Pathogenic. Last evaluated: 2024-07-26. Review status: criteria provided, single submitter. Criteria: Invitae Variant Classification Sherloc (09022015). Collection method: clinical testing. Allele origin: germline.
Comment: This sequence change creates a premature translational stop signal (p.Met483Serfs*30) in the FZD4 gene. While this is not anticipated to result in nonsense mediated decay, it is expected to disrupt the last 55 amino acid(s) of the FZD4 protein. This variant is not present in population databases (gnomAD no frequency). This variant has not been reported in the literature in individuals affected with FZD4-related conditions. This variant disrupts a region of the FZD4 protein in which other variant(s) (p.Q505*) have been determined to be pathogenic (PMID: 15223780). This suggests that this is a clinically significant region of the protein, and that variants that disrupt it are likely to be disease-causing. For these reasons, this variant has been classified as Pathogenic.

Literature cited by the submitters: PubMed 15223780.

NM_012193.4(FZD4):c.1448del (p.Met483fs)

Genes: FZD4 (frizzled class receptor 4; minus strand), PRSS23 (serine protease 23; plus strand). Cytogenetic location: 11q14.2.
Variant type: Deletion.
Coding change: c.1448del on transcript NM_012193.4 (MANE Select); coding-DNA position 1448, one base deleted (T; older notation c.1448delT).
Protein change: p.Met483fs; shifts the reading frame from methionine 483.
Molecular consequence: frameshift variant. On other transcripts: non-coding transcript variant (2).
Genome position (GRCh38, 1-based): chr11:86,951,308, A deleted on the plus strand (T on the coding strand, the reverse complement: FZD4 is on the minus strand). VCF-style (leftmost placement, unchanged base first): chr11-86951307-CA-C. GRCh37 (hg19) VCF-style: chr11-86662349-CA-C.
Other names: short protein forms M483fs.
Identifiers: ClinVar variation 3659451 (VCV003659451.2).
Genomic context (GRCh38, chr11:86,951,307, plus strand): 5'-CGTGTGAAGAGTTTTGGCAGACCAAATCCACATGCCTGAAGTGATGCCCACCAACAAAGA[CA>C]TAAAAATTTTCAACATTTCAACAGCCATGTTGGAATCATCTGCAGAATACCGAAAAAGTG-3'